The following is an entry in ClinVar:

ClinVar aggregate classification (germline): Likely benign. Review status: criteria provided, multiple submitters, no conflicts (2 of 4 stars). 2 submissions from 2 submitters: Likely benign (2). Last evaluated 2024-10-24.

Allele frequency attached by ClinVar (database versions not stated): TOPMed 0.00002; ExAC 0.00005.
gnomAD v4.1: 26 of 1,614,024 alleles (0.0016%); highest among the groups gnomAD compares: East Asian, 0.0067%; no homozygotes.

Submissions (2):

Labcorp Genetics (formerly Invitae), Labcorp
Classification: Likely benign. Last evaluated: 2024-10-24. Review status: criteria provided, single submitter. Criteria: Invitae Variant Classification Sherloc (09022015). Collection method: clinical testing. Allele origin: germline.

CeGaT Center for Human Genetics Tuebingen
Classification: Likely benign. Last evaluated: 2022-09-01. Review status: criteria provided, single submitter. Criteria: CeGaT Center For Human Genetics Tuebingen Variant Classification Criteria Version 2. Collection method: clinical testing. Allele origin: germline. Affected: yes. Observed: 1 variant allele.
Comment: PTPN23: BP4, BP7

NM_015466.4(PTPN23):c.1911C>T (p.Tyr637=)

Gene: PTPN23 (protein tyrosine phosphatase non-receptor type 23; plus strand). Cytogenetic location: 3p21.31.
Variant type: single nucleotide variant.
Coding change: c.1911C>T on transcript NM_015466.4 (MANE Select); coding-DNA position 1911, C replaced by T.
Protein change: p.Tyr637=; no amino-acid change (tyrosine 637 retained).
Molecular consequence: synonymous variant.
Genome position (GRCh38, 1-based): chr3:47,409,530, C>T. VCF-style: chr3-47409530-C-T. GRCh37 (hg19) VCF-style: chr3-47451020-C-T.
Other names: c.1533C>T, p.Tyr511= (NM_001304482.2).
Identifiers: ClinVar variation 1711573 (VCV001711573.35), dbSNP rs778078873, ClinGen allele CA2365853.
Genomic context (GRCh38, chr3:47,409,530, plus strand): 5'-GCAGAACCTGGCCGCCCAGGACCGTGTCCTCTGTGCACTGACAGAGGCCAACGTGCAGTA[C>T]GCAGCCGTGCGGCGGGTACTCAGCGACTTGGACCAAAAGTCAGTGCCCAGTCCTCTGCTC-3'
Protein context (NP_056281.1, residues 627-647): LCALTEANVQ[Tyr637=]AAVRRVLSDL